The following is an entry in ClinVar:

NM_182961.4(SYNE1):c.20549A>T (p.Asp6850Val)

Gene: SYNE1 (spectrin repeat containing nuclear envelope protein 1; minus strand). Cytogenetic location: 6q25.2.
Variant type: single nucleotide variant.
Coding change: c.20549A>T on transcript NM_182961.4 (MANE Select); coding-DNA position 20549, A replaced by T.
Protein change: p.Asp6850Val; replaces aspartic acid 6850 with valine.
Molecular consequence: missense variant.
Genome position (GRCh38, 1-based): chr6:152,233,944, T>A on the plus strand (A>T on the coding strand, the complement: SYNE1 is on the minus strand). VCF-style: chr6-152233944-T-A. GRCh37 (hg19) VCF-style: chr6-152555079-T-A.
Other names: c.20336A>T, p.Asp6779Val (NM_033071.5); short protein forms D6779V, D6850V.
Identifiers: ClinVar variation 288667 (VCV000288667.38), dbSNP rs773506774, ClinGen allele CA4054398.

ClinVar aggregate classification (germline): Uncertain significance. Review status: criteria provided, multiple submitters, no conflicts (2 of 4 stars). 6 submissions from 6 submitters: Uncertain significance (5). 1 of the submissions does not count toward it. Last evaluated 2026-09-01.

Conditions:
Emery-Dreifuss muscular dystrophy 4, autosomal dominant (EDMD4). Also called: EMERY-DREIFUSS MUSCULAR DYSTROPHY 4 WITH VARIABLE FEATURES. Identifiers: Orphanet 261, MedGen C2751807, MONDO:0013071, OMIM 612998.
Autosomal recessive ataxia, Beauce type. Also called: SYNE1-Related Autosomal Recessive Cerebellar Ataxia; SYNE1 Deficiency; ATAXIA, RECESSIVE, OF BEAUCE; Spinocerebellar ataxia, autosomal recessive 8. Identifiers: Orphanet 88644, MedGen C1853116, MONDO:0012549, OMIM 610743.
SYNE1-related disorder. Also called: SYNE1-related disorders; SYNE1-related disease; SYNE1-related condition.
Inborn genetic diseases. Identifiers: MedGen C0950123, MeSH D030342.

Allele frequency attached by ClinVar (database versions not stated): TOPMed 0.00001; ExAC 0.00001; gnomAD 0.00001; gnomAD exomes 0.00001.
gnomAD v4.1: 11 of 1,614,042 alleles (0.00068%); highest among the groups gnomAD compares: Non-Finnish European, 0.00093%; no homozygotes.

Submissions (6):

CeGaT Center for Human Genetics Tuebingen
Classification: Uncertain significance. Last evaluated: 2026-09-01. Review status: criteria provided, single submitter. Criteria: CeGaT Center For Human Genetics Tuebingen Variant Classification Criteria Version 2. Collection method: clinical testing. Allele origin: germline. Affected: yes. Observed: 3 variant alleles.
Comment: SYNE1: PM2

Labcorp Genetics (formerly Invitae), Labcorp
Classification: Uncertain significance for Emery-Dreifuss muscular dystrophy 4, autosomal dominant; Autosomal recessive ataxia, Beauce type. Last evaluated: 2021-09-01. Review status: criteria provided, single submitter. Criteria: Invitae Variant Classification Sherloc (09022015). Collection method: clinical testing. Allele origin: germline.
Comment: This sequence change replaces aspartic acid with valine at codon 6779 of the SYNE1 protein (p.Asp6779Val). The aspartic acid residue is highly conserved and there is a large physicochemical difference between aspartic acid and valine. This variant is present in population databases (rs773506774, ExAC 0.002%). This variant has not been reported in the literature in individuals affected with SYNE1-related conditions. Algorithms developed to predict the effect of missense changes on protein structure and function (SIFT, PolyPhen-2, Align-GVGD) all suggest that this variant is likely to be disruptive. In summary, the available evidence is currently insufficient to determine the role of this variant in disease. Therefore, it has been classified as a Variant of Uncertain Significance.

Ambry Genetics
Classification: Uncertain significance for Inborn genetic diseases. Last evaluated: 2021-07-20. Review status: criteria provided, single submitter. Criteria: Ambry Variant Classification Scheme 2023. Collection method: clinical testing. Allele origin: germline.

Athena Diagnostics
Classification: Uncertain significance. Last evaluated: 2018-08-08. Review status: criteria provided, single submitter. Criteria: Athena Diagnostics Criteria. Collection method: clinical testing. Allele origin: germline.

Eurofins Ntd Llc (ga)
Classification: Uncertain significance. Last evaluated: 2016-06-13. Review status: criteria provided, single submitter. Criteria: EGL Classification Definitions 2015. Collection method: clinical testing. Allele origin: germline. Observed: 2 variant alleles, 2 heterozygotes.

PreventionGenetics, part of Exact Sciences
Classification: Uncertain significance for SYNE1-related condition. Last evaluated: 2024-06-21. Review status: no assertion criteria provided. Collection method: clinical testing. Allele origin: germline. Not counted in ClinVar's aggregate classification.
Comment: The SYNE1 c.20336A>T variant is predicted to result in the amino acid substitution p.Asp6779Val. To our knowledge, this variant has not been reported in the literature. This variant is reported in 0.0026% of alleles in individuals of European (Non-Finnish) descent in gnomAD. At this time, the clinical significance of this variant is uncertain due to the absence of conclusive functional and genetic evidence.